The following is an entry in ClinVar:

ClinVar aggregate classification (germline): Pathogenic/Likely pathogenic. Review status: criteria provided, multiple submitters, no conflicts (2 of 4 stars). 2 submissions from 2 submitters: Pathogenic (1); Likely pathogenic (1). Last evaluated 2024-11-08.

Conditions:
DNAAF1-related disorders.
Primary ciliary dyskinesia. Also called: Ciliary dyskinesia. Identifiers: Orphanet 244, MedGen C0008780, MONDO:0016575, HP:0012265.

Allele frequency attached by ClinVar (database versions not stated): gnomAD exomes 0.00001.
gnomAD v4.1: 23 of 1,613,956 alleles (0.0014%); highest among the groups gnomAD compares: Middle Eastern, 0.016%; no homozygotes.

Submissions (2):

Blueprint Genetics
Classification: Likely pathogenic for DNAAF1-related disorders. Last evaluated: 2024-11-08. Review status: criteria provided, single submitter. Criteria: ACMG Guidelines, 2015. Collection method: clinical testing. Allele origin: germline. Affected: yes. Observed: 2 variant alleles.

Labcorp Genetics (formerly Invitae), Labcorp
Classification: Pathogenic for Primary ciliary dyskinesia. Last evaluated: 2023-04-03. Review status: criteria provided, single submitter. Criteria: Invitae Variant Classification Sherloc (09022015). Collection method: clinical testing. Allele origin: germline.
Comment: This sequence change creates a premature translational stop signal (p.Lys626*) in the DNAAF1 gene. It is expected to result in an absent or disrupted protein product. Loss-of-function variants in DNAAF1 are known to be pathogenic (PMID: 19944400, 19944405). This variant is present in population databases (no rsID available, gnomAD 0.0009%). This variant has not been reported in the literature in individuals affected with DNAAF1-related conditions. ClinVar contains an entry for this variant (Variation ID: 663190). For these reasons, this variant has been classified as Pathogenic.

Literature cited by the submitters: PubMed 19944400 (cited by Labcorp Genetics (formerly Invitae), Labcorp); PubMed 19944405 (cited by Labcorp Genetics (formerly Invitae), Labcorp).

NM_178452.6(DNAAF1):c.1876A>T (p.Lys626Ter)

Gene: DNAAF1 (dynein axonemal assembly factor 1; plus strand). Cytogenetic location: 16q24.1.
Variant type: single nucleotide variant.
Coding change: c.1876A>T on transcript NM_178452.6 (MANE Select); coding-DNA position 1876, A replaced by T.
Protein change: p.Lys626Ter; replaces lysine 626 with a stop codon.
Molecular consequence: nonsense.
Genome position (GRCh38, 1-based): chr16:84,176,110, A>T. VCF-style: chr16-84176110-A-T. GRCh37 (hg19) VCF-style: chr16-84209716-A-T.
Other names: c.1168A>T, p.Lys390Ter (NM_001318756.1); short protein forms K390*, K626*.
Identifiers: ClinVar variation 663190 (VCV000663190.9), dbSNP rs1489377964, ClinGen allele CA396950857.
Genomic context (GRCh38, chr16:84,176,110, plus strand): 5'-ATATTTGCAGTCTCTAAAGACACCTCAAAGGCGGCTCGGGTGCCCTTCACAGACATCTTT[A>T]AAAAAGAAGCTAAGAGGGACTTGGAAATCCGAAAACAAGACACCAAGTCCCCAAGACCCC-3'